The following is an entry in ClinVar:

ClinVar aggregate classification (germline): Uncertain significance. Review status: criteria provided, single submitter (1 of 4 stars). 2 submissions from 2 submitters: Uncertain significance (1). 1 of the submissions does not count toward it. Last evaluated 2025-09-24.

Conditions:
Angelman syndrome-like. Identifiers: MedGen CN128785.
Developmental and epileptic encephalopathy, 2 (DEE2). Also called: INFANTILE SPASM SYNDROME, X-LINKED 2; CDKL5 deficiency disorder. Identifiers: Orphanet 1934, Orphanet 3451, Orphanet 505652, MedGen C4750718, MONDO:0010396, OMIM 300672.

Allele frequency attached by ClinVar (database versions not stated): ExAC 0.00001; gnomAD exomes 0.00001.

Submissions (2):

Labcorp Genetics (formerly Invitae), Labcorp
Classification: Uncertain significance for Developmental and epileptic encephalopathy, 2; Angelman syndrome-like. Last evaluated: 2025-09-24. Review status: criteria provided, single submitter. Criteria: Invitae Variant Classification Sherloc (09022015). Collection method: clinical testing. Allele origin: germline.
Comment: This sequence change replaces threonine, which is neutral and polar, with alanine, which is neutral and non-polar, at codon 531 of the CDKL5 protein (p.Thr531Ala). This variant is present in population databases (rs778464010, gnomAD 0.008%). This variant has not been reported in the literature in individuals affected with CDKL5-related conditions. ClinVar contains an entry for this variant (Variation ID: 217359). Invitae Evidence Modeling of protein sequence and biophysical properties (such as structural, functional, and spatial information, amino acid conservation, physicochemical variation, residue mobility, and thermodynamic stability) indicates that this missense variant is not expected to disrupt CDKL5 protein function with a negative predictive value of 95%. In summary, the available evidence is currently insufficient to determine the role of this variant in disease. Therefore, it has been classified as a Variant of Uncertain Significance.

Genomic Diagnostic Laboratory, Division of Genomic Diagnostics, Children's Hospital of Philadelphia
Classification: Uncertain significance. Last evaluated: 2015-02-13. Review status: no assertion criteria provided. Collection method: clinical testing. Allele origin: germline. Not counted in ClinVar's aggregate classification.

NM_001323289.2(CDKL5):c.1591A>G (p.Thr531Ala)

Gene: CDKL5 (cyclin dependent kinase like 5; plus strand). Cytogenetic location: Xp22.13.
Variant type: single nucleotide variant.
Coding change: c.1591A>G on transcript NM_001323289.2 (MANE Select); coding-DNA position 1591, A replaced by G.
Protein change: p.Thr531Ala; replaces threonine 531 with alanine.
Molecular consequence: missense variant.
Genome position (GRCh38, 1-based): chrX:18,604,515, A>G. VCF-style: chrX-18604515-A-G. GRCh37 (hg19) VCF-style: chrX-18622635-A-G.
Other names: c.1591A>G, p.Thr531Ala (NM_001037343.2, NM_003159.3); short protein forms T531A.
Identifiers: ClinVar variation 217359 (VCV000217359.2), dbSNP rs778464010, ClinGen allele CA213381.
Genomic context (GRCh38, chrX:18,604,515, plus strand): 5'-CCCAGTACCAGTAGGTACTTCCCATCTAGCTGCTTAGACTTGAATTCTCCCACCAGCCCA[A>G]CCCCCACCAGACACAGTGACACGAGAACTTTGCTCAGCCCTTCTGGAAGAAATAACCGAA-3'
Protein context (NP_001310218.1, residues 521-541): CLDLNSPTSP[Thr531Ala]PTRHSDTRTL